The following is an entry in ClinVar:

ClinVar aggregate classification (germline): Uncertain significance (1 of 4 stars; one submission).

Conditions:
Succinate-semialdehyde dehydrogenase deficiency (SSADHD). Also called: Succinic Semialdehyde Dehydrogenase Deficiency; SSADH DEFICIENCY; GABA METABOLIC DEFECT; 4-HYDROXYBUTYRIC ACIDURIA. Identifiers: Orphanet 22, MedGen C0268631, MONDO:0010083, OMIM 271980.

Submission:

Labcorp Genetics (formerly Invitae), Labcorp
Classification: Uncertain significance for Succinate-semialdehyde dehydrogenase deficiency. Last evaluated: 2020-10-06. Review status: criteria provided, single submitter. Criteria: Invitae Variant Classification Sherloc (09022015). Collection method: clinical testing. Allele origin: germline.
Comment: In summary, the available evidence is currently insufficient to determine the role of this variant in disease. Therefore, it has been classified as a Variant of Uncertain Significance. Algorithms developed to predict the effect of missense changes on protein structure and function are either unavailable or do not agree on the potential impact of this missense change (SIFT: "Deleterious"; PolyPhen-2: "Probably Damaging"; Align-GVGD: "Class C0"). This variant has not been reported in the literature in individuals with ALDH5A1-related conditions. The frequency data for this variant in the population databases is considered unreliable, as metrics indicate insufficient coverage at this position in the ExAC database. This sequence change replaces valine with methionine at codon 102 of the ALDH5A1 protein (p.Val102Met). The valine residue is moderately conserved and there is a small physicochemical difference between valine and methionine.

NM_001080.3(ALDH5A1):c.304G>A (p.Val102Met)

Genes: ALDH5A1 (aldehyde dehydrogenase 5 family member A1; plus strand), LOC129995978 (ATAC-STARR-seq lymphoblastoid silent region 16989; plus strand). Cytogenetic location: 6p22.3.
Variant type: single nucleotide variant.
Coding change: c.304G>A on transcript NM_001080.3 (MANE Select); coding-DNA position 304, G replaced by A.
Protein change: p.Val102Met; replaces valine 102 with methionine.
Molecular consequence: missense variant.
Genome position (GRCh38, 1-based): chr6:24,495,300, G>A. VCF-style: chr6-24495300-G-A. GRCh37 (hg19) VCF-style: chr6-24495528-G-A.
Other names: c.304G>A, p.Val102Met (NM_001368954.1, NM_170740.1); short protein forms V102M.
Identifiers: ClinVar variation 1055429 (VCV001055429.10), dbSNP rs1444935451, ClinGen allele CA362968639.